The following is an entry in ClinVar:

ClinVar aggregate classification (germline): Uncertain significance (1 of 4 stars; one submission).

Submission:

GeneDx
Classification: Uncertain significance. Last evaluated: 2024-09-01. Review status: criteria provided, single submitter. Criteria: GeneDx Variant Classification Process June 2021. Collection method: clinical testing. Allele origin: germline. Affected: yes.
Comment: Not observed at significant frequency in large population cohorts (gnomAD); In silico analysis supports that this missense variant has a deleterious effect on protein structure/function; Has not been previously published as pathogenic or benign to our knowledge

NM_006885.4(ZFHX3):c.6883C>A (p.Gln2295Lys)

Genes: ZFHX3 (zinc finger homeobox 3; minus strand), ZFHX3-AS1 (ZFHX3 antisense RNA 1; plus strand). Cytogenetic location: 16q22.2.
Variant type: single nucleotide variant.
Coding change: c.6883C>A on transcript NM_006885.4 (MANE Select); coding-DNA position 6883, C replaced by A.
Protein change: p.Gln2295Lys; replaces glutamine 2295 with lysine.
Molecular consequence: missense variant.
Genome position (GRCh38, 1-based): chr16:72,795,799, G>T on the plus strand (C>A on the coding strand, the complement: ZFHX3 is on the minus strand). VCF-style: chr16-72795799-G-T. GRCh37 (hg19) VCF-style: chr16-72829698-G-T.
Other names: c.4141C>A, p.Gln1381Lys (NM_001164766.2); c.6883C>A, p.Gln2295Lys (NM_001386735.1); short protein forms Q1381K, Q2295K.
Identifiers: ClinVar variation 3766398 (VCV003766398.1).